The following is an entry in ClinVar:

ClinVar aggregate classification (germline): Uncertain significance (1 of 4 stars; one submission).

Submission:

CeGaT Center for Human Genetics Tuebingen
Classification: Uncertain significance. Last evaluated: 2026-09-01. Review status: criteria provided, single submitter. Criteria: CeGaT Center For Human Genetics Tuebingen Variant Classification Criteria Version 2. Collection method: clinical testing. Allele origin: germline. Affected: yes. Observed: 1 variant allele.
Comment: NTRK2: PP2

NC_000009.12:g.85095039A>T

Gene: NTRK2 (neurotrophic receptor tyrosine kinase 2; plus strand). Cytogenetic location: 9q21.33.
Variant type: single nucleotide variant.
Genome position: GRCh38 VCF-style: chr9-85095039-A-T. GRCh37 (hg19) VCF-style: chr9-87709954-A-T.
Identifiers: ClinVar variation 5041591 (VCV005041591.1).
Genomic context (GRCh38, chr9:85,095,039, plus strand): 5'-TTTTTTTTTTAGATGGAGTATCACTCTGTCTGCCAGGCTGGAATGGAATGCAGTGGCATG[A>T]TCTCAGCTCACTGCGACCTCCATCTCCCGGATTCAAGAGATTCTCCTGCCTCAGCCTCCC-3'